The following is an entry in ClinVar:

NM_001048174.2(MUTYH):c.1102+4C>G

Gene: MUTYH (mutY DNA glycosylase; minus strand). Cytogenetic location: 1p34.1.
Variant type: single nucleotide variant.
Coding change: c.1102+4C>G on transcript NM_001048174.2 (MANE Select); 4 bases into the intron after coding-DNA position 1102, C replaced by G.
Molecular consequence: intron variant.
Genome position (GRCh38, 1-based): chr1:45,331,657, G>C on the plus strand (C>G on the coding strand, the complement: MUTYH is on the minus strand). VCF-style: chr1-45331657-G-C. GRCh37 (hg19) VCF-style: chr1-45797329-G-C.
Other names: c.1102+4C>G (NM_001407072.1, NM_001407073.1, NM_001048171.2 and 6 more transcripts); c.757+4C>G (NM_001350651.2, NM_001350650.2, NM_001407082.1); c.826+4C>G (NM_001293192.2, NM_001293196.2, NM_001407091.1); c.1147+4C>G (NM_001293190.2); c.1135+4C>G (NM_001407069.1, NM_001407077.1, NM_001293191.2); c.1177+4C>G (NM_012222.3); c.1186+4C>G (NM_001128425.2); c.1105+4C>G (NM_001407071.1, NM_001048172.2, NM_001407078.1 and 1 more transcripts); and 5 more.
Identifiers: ClinVar variation 2773684 (VCV002773684.2), dbSNP rs2149124461, ClinGen allele CA2696092496.

ClinVar aggregate classification (germline): Uncertain significance (1 of 4 stars; one submission).

Conditions:
Hereditary cancer-predisposing syndrome. Also called: Hereditary neoplastic syndrome; Hereditary Cancer Syndrome; Neoplastic Syndromes, Hereditary; Tumor predisposition. Identifiers: Orphanet 140162, MedGen C0027672, MeSH D009386, MONDO:0015356.

Submission:

Color Diagnostics, LLC DBA Color Health
Classification: Uncertain significance for Hereditary cancer-predisposing syndrome. Last evaluated: 2022-05-05. Review status: criteria provided, single submitter. Criteria: ACMG Guidelines, 2015. Collection method: clinical testing. Allele origin: germline.
Comment: This variant causes a C to G nucleotide substitution at the +4 position of intron 12 of the MUTYH gene. Splice site prediction tools are inconclusive regarding the impact of this variant on RNA splicing. To our knowledge, functional studies have not been reported for this variant. This variant has not been reported in individuals affected with hereditary cancer in the literature. This variant has not been identified in the general population by the Genome Aggregation Database (gnomAD). The available evidence is insufficient to determine the role of this variant in disease conclusively. Therefore, this variant is classified as a Variant of Uncertain Significance.